The following is an entry in ClinVar:

ClinVar aggregate classification (germline): Uncertain significance (1 of 4 stars; one submission).

Conditions:
Dihydropteridine reductase deficiency (HPABH4C). Also called: DHPR DEFICIENCY; BH4-Deficient Hyperphenylalaninemia C; Hyperphenylalaninemia due to dihydropteridine reductase deficiency; Hyperphenylalaninemia, BH-4-deficient, C; Phenylketonuria type 2; HYPERPHENYLALANINEMIA, TETRAHYDROBIOPTERIN-DEFICIENT, DUE TO DHPR DEFICIENCY. Identifiers: Orphanet 226, Orphanet 238583, MedGen C0268465, MONDO:0009862, OMIM 261630.

gnomAD v4.1: 2 of 1,614,044 alleles (0.00012%); highest among the groups gnomAD compares: South Asian, 0.0011%; no homozygotes.

Submission:

Labcorp Genetics (formerly Invitae), Labcorp
Classification: Uncertain significance for Dihydropteridine reductase deficiency. Last evaluated: 2020-12-22. Review status: criteria provided, single submitter. Criteria: Invitae Variant Classification Sherloc (09022015). Collection method: clinical testing. Allele origin: germline.
Comment: In summary, the available evidence is currently insufficient to determine the role of this variant in disease. Therefore, it has been classified as a Variant of Uncertain Significance. Algorithms developed to predict the effect of missense changes on protein structure and function (SIFT, PolyPhen-2, Align-GVGD) all suggest that this variant is likely to be disruptive, but these predictions have not been confirmed by published functional studies and their clinical significance is uncertain. This variant has not been reported in the literature in individuals with QDPR-related conditions. This variant is present in population databases (rs147257284, ExAC 0.001%). This sequence change replaces alanine with threonine at codon 91 of the QDPR protein (p.Ala91Thr). The alanine residue is highly conserved and there is a small physicochemical difference between alanine and threonine.

NM_000320.3(QDPR):c.271G>A (p.Ala91Thr)

Gene: QDPR (quinoid dihydropteridine reductase; minus strand). Cytogenetic location: 4p15.32.
Variant type: single nucleotide variant.
Coding change: c.271G>A on transcript NM_000320.3 (MANE Select); coding-DNA position 271, G replaced by A.
Protein change: p.Ala91Thr; replaces alanine 91 with threonine.
Molecular consequence: missense variant. On other transcripts: non-coding transcript variant (1).
Genome position (GRCh38, 1-based): chr4:17,504,403, C>T on the plus strand (G>A on the coding strand, the complement: QDPR is on the minus strand). VCF-style: chr4-17504403-C-T. GRCh37 (hg19) VCF-style: chr4-17506026-C-T.
Other names: c.178G>A, p.Ala60Thr (NM_001306140.2); short protein forms A60T, A91T.
Identifiers: ClinVar variation 1386124 (VCV001386124.8), dbSNP rs147257284, ClinGen allele CA2868166.